The following is an entry in ClinVar:

NM_024854.5(PYROXD1):c.1195A>G (p.Ile399Val)

Gene: PYROXD1 (pyridine nucleotide-disulphide oxidoreductase domain 1; plus strand). Cytogenetic location: 12p12.1.
Variant type: single nucleotide variant.
Coding change: c.1195A>G on transcript NM_024854.5 (MANE Select); coding-DNA position 1195, A replaced by G.
Protein change: p.Ile399Val; replaces isoleucine 399 with valine.
Molecular consequence: missense variant.
Genome position (GRCh38, 1-based): chr12:21,467,559, A>G. VCF-style: chr12-21467559-A-G. GRCh37 (hg19) VCF-style: chr12-21620493-A-G.
Other names: c.982A>G, p.Ile328Val (NM_001350912.2); c.418A>G, p.Ile140Val (NM_001350913.2); c.1195A>G (NM_024854.3); short protein forms I140V, I328V, I399V.
Identifiers: ClinVar variation 1493933 (VCV001493933.5), dbSNP rs768176125, ClinGen allele CA6478488.

ClinVar aggregate classification (germline): Uncertain significance. Review status: criteria provided, multiple submitters, no conflicts (2 of 4 stars). 2 submissions from 2 submitters: Uncertain significance (2). Last evaluated 2024-03-19.

Conditions:
Inborn genetic diseases. Identifiers: MedGen C0950123, MeSH D030342.

Allele frequency attached by ClinVar (database versions not stated): gnomAD 0.00001; gnomAD exomes 0.00002; TOPMed 0.00002; ExAC 0.00003.
gnomAD v4.1: 15 of 1,612,308 alleles (0.00093%); highest among the groups gnomAD compares: Admixed American, 0.01%; no homozygotes.

Submissions (2):

Ambry Genetics
Classification: Uncertain significance for Inborn genetic diseases. Last evaluated: 2024-03-19. Review status: criteria provided, single submitter. Criteria: Ambry Variant Classification Scheme 2023. Collection method: clinical testing. Allele origin: germline.

Labcorp Genetics (formerly Invitae), Labcorp
Classification: Uncertain significance. Last evaluated: 2024-02-26. Review status: criteria provided, single submitter. Criteria: Invitae Variant Classification Sherloc (09022015). Collection method: clinical testing. Allele origin: germline.
Comment: This sequence change replaces isoleucine, which is neutral and non-polar, with valine, which is neutral and non-polar, at codon 399 of the PYROXD1 protein (p.Ile399Val). This variant is present in population databases (rs768176125, gnomAD 0.009%). This variant has not been reported in the literature in individuals affected with PYROXD1-related conditions. ClinVar contains an entry for this variant (Variation ID: 1493933). Advanced modeling of protein sequence and biophysical properties (such as structural, functional, and spatial information, amino acid conservation, physicochemical variation, residue mobility, and thermodynamic stability) performed at Invitae indicates that this missense variant is not expected to disrupt PYROXD1 protein function with a negative predictive value of 80%. In summary, the available evidence is currently insufficient to determine the role of this variant in disease. Therefore, it has been classified as a Variant of Uncertain Significance.